The following is an entry in ClinVar:

ClinVar aggregate classification (germline): Uncertain significance. Review status: criteria provided, multiple submitters, no conflicts (2 of 4 stars). 3 submissions from 3 submitters: Uncertain significance (3). Last evaluated 2025-06-12.

Conditions:
Joubert syndrome 23 (JBTS23). Identifiers: Orphanet 475, MedGen C4084822, MONDO:0014664, OMIM 616490.
Short-rib thoracic dysplasia 14 with polydactyly (SRTD14). Identifiers: Orphanet 397715, MedGen C4225286, MONDO:0014688, OMIM 616546.
Inborn genetic diseases. Identifiers: MedGen C0950123, MeSH D030342.

Allele frequency attached by ClinVar (database versions not stated): gnomAD exomes 0.00001 and 0.00003; ExAC 0.00003; TOPMed 0.00003.
gnomAD v4.1: 12 of 1,610,484 alleles (0.00075%); highest among the groups gnomAD compares: Admixed American, 0.01%; no homozygotes.

Submissions (3):

Ambry Genetics
Classification: Uncertain significance for Inborn genetic diseases. Last evaluated: 2025-06-12. Review status: criteria provided, single submitter. Criteria: Ambry Variant Classification Scheme 2023. Collection method: clinical testing. Allele origin: germline.

GeneDx
Classification: Uncertain significance. Last evaluated: 2025-02-23. Review status: criteria provided, single submitter. Criteria: GeneDx Variant Classification Process June 2021. Collection method: clinical testing. Allele origin: germline. Affected: yes.
Comment: In silico analysis supports that this missense variant has a deleterious effect on protein structure/function; Has not been previously published as pathogenic or benign to our knowledge

Labcorp Genetics (formerly Invitae), Labcorp
Classification: Uncertain significance for Joubert syndrome 23; Short-rib thoracic dysplasia 14 with polydactyly. Last evaluated: 2022-09-07. Review status: criteria provided, single submitter. Criteria: Invitae Variant Classification Sherloc (09022015). Collection method: clinical testing. Allele origin: germline.
Comment: This sequence change replaces isoleucine, which is neutral and non-polar, with threonine, which is neutral and polar, at codon 226 of the KIAA0586 protein (p.Ile226Thr). This variant is present in population databases (rs773960033, gnomAD 0.02%). This variant has not been reported in the literature in individuals affected with KIAA0586-related conditions. ClinVar contains an entry for this variant (Variation ID: 1356098). Algorithms developed to predict the effect of missense changes on protein structure and function are either unavailable or do not agree on the potential impact of this missense change (SIFT: "Tolerated"; PolyPhen-2: "Possibly Damaging"; Align-GVGD: "Class C0"). In summary, the available evidence is currently insufficient to determine the role of this variant in disease. Therefore, it has been classified as a Variant of Uncertain Significance.

NM_001329943.3(KIAA0586):c.518T>C (p.Ile173Thr)

Gene: KIAA0586 (KIAA0586; plus strand). Cytogenetic location: 14q23.1.
Variant type: single nucleotide variant.
Coding change: c.518T>C on transcript NM_001329943.3 (MANE Select); coding-DNA position 518, T replaced by C.
Protein change: p.Ile173Thr; replaces isoleucine 173 with threonine.
Molecular consequence: missense variant.
Genome position (GRCh38, 1-based): chr14:58,442,813, T>C. VCF-style: chr14-58442813-T-C. GRCh37 (hg19) VCF-style: chr14-58909531-T-C.
Other names: c.677T>C, p.Ile226Thr (NM_001244189.2); c.473T>C, p.Ile158Thr (NM_001244190.2); c.263T>C, p.Ile88Thr (NM_001244191.2, NM_001329945.2, NM_001364700.1 and 1 more transcripts); c.386T>C, p.Ile129Thr (NM_001244192.2); c.98T>C, p.Ile33Thr (NM_001244193.2); c.518T>C, p.Ile173Thr (NM_001329944.2, NM_001329946.2, NM_001329947.2 and 1 more transcripts); c.518T>C (NM_014749.3); c.677T>C (NM_001244189.1); short protein forms I158T, I226T, I88T, I129T, I173T, I33T.
Identifiers: ClinVar variation 1356098 (VCV001356098.7), dbSNP rs773960033, ClinGen allele CA7205414.